The following is an entry in ClinVar:

ClinVar aggregate classification (germline): Uncertain significance (1 of 4 stars; one submission).

Allele frequency attached by ClinVar (database versions not stated): gnomAD exomes 0.00001.

Submission:

Ambry Genetics
Classification: Uncertain significance. Last evaluated: 2024-05-30. Review status: criteria provided, single submitter. Criteria: Ambry Variant Classification Scheme 2023. Collection method: clinical testing. Allele origin: germline.
Comment: The p.M1360I variant (also known as c.4080G>A), located in coding exon 37 of the KIF1B gene, results from a G to A substitution at nucleotide position 4080. The methionine at codon 1360 is replaced by isoleucine, an amino acid with highly similar properties. This amino acid position is conserved. In addition, this alteration is predicted to be deleterious by in silico analysis. Since supporting evidence is limited at this time, the clinical significance of this alteration remains unclear.

NM_001365951.3(KIF1B):c.4218G>A (p.Met1406Ile)

Gene: KIF1B (kinesin family member 1B; plus strand). Cytogenetic location: 1p36.22.
Variant type: single nucleotide variant.
Coding change: c.4218G>A on transcript NM_001365951.3 (MANE Select); coding-DNA position 4218, G replaced by A.
Protein change: p.Met1406Ile; replaces methionine 1406 with isoleucine.
Molecular consequence: missense variant.
Genome position (GRCh38, 1-based): chr1:10,361,739, G>A. VCF-style: chr1-10361739-G-A. GRCh37 (hg19) VCF-style: chr1-10421797-G-A.
Other names: c.4218G>A, p.Met1406Ile (NM_001365952.1); c.4080G>A, p.Met1360Ile (NM_015074.3); short protein forms M1360I, M1406I.
Identifiers: ClinVar variation 1737633 (VCV001737633.4), dbSNP rs1638429183, ClinGen allele CA338317359.